The following is an entry in ClinVar:

ClinVar aggregate classification (germline): Benign. Review status: criteria provided, multiple submitters, no conflicts (2 of 4 stars). 3 submissions from 3 submitters: Benign (3). Last evaluated 2021-07-14.

Conditions:
Spondylodysplastic Ehlers-Danlos syndrome. Identifiers: Orphanet 536471, Orphanet 75496, MedGen C5680154, MONDO:0007526.

Allele frequency attached by ClinVar (database versions not stated): TOPMed 0.93583; 1000 Genomes Project 30x 0.95066.
gnomAD v4.1: 1,545,972 of 1,610,014 alleles (96%); highest among the groups gnomAD compares: East Asian, 100%; 742,692 homozygotes.

Submissions (3):

Genome-Nilou Lab
Classification: Benign for Ehlers-Danlos syndrome, spondylodysplastic type, 1. Last evaluated: 2021-07-14. Review status: criteria provided, single submitter. Criteria: ACMG Guidelines, 2015. Collection method: clinical testing. Allele origin: germline. Affected: no.

Mendelics
Classification: Benign for Ehlers-Danlos syndrome, spondylodysplastic type, 1. Last evaluated: 2019-05-28. Review status: criteria provided, single submitter. Criteria: Mendelics Assertion Criteria 2017. Collection method: clinical testing. Allele origin: unknown.

GeneDx
Classification: Benign. Last evaluated: 2018-06-19. Review status: criteria provided, single submitter. Criteria: GeneDx Variant Classification (06012015). Collection method: clinical testing. Allele origin: germline. Affected: yes.
Comment: This variant is considered likely benign or benign based on one or more of the following criteria: it is a conservative change, it occurs at a poorly conserved position in the protein, it is predicted to be benign by multiple in silico algorithms, and/or has population frequency not consistent with disease.

NM_007255.3(B4GALT7):c.413+60C>G

Gene: B4GALT7 (beta-1,4-galactosyltransferase 7; plus strand). Cytogenetic location: 5q35.3.
Variant type: single nucleotide variant.
Coding change: c.413+60C>G on transcript NM_007255.3 (MANE Select); 60 bases into the intron after coding-DNA position 413, C replaced by G.
Molecular consequence: intron variant.
Genome position (GRCh38, 1-based): chr5:177,604,601, C>G. VCF-style: chr5-177604601-C-G. GRCh37 (hg19) VCF-style: chr5-177031602-C-G.
Identifiers: ClinVar variation 678008 (VCV000678008.5), dbSNP rs28499092, ClinGen allele CA16250240.